The following is an entry in ClinVar:

NM_000222.3(KIT):c.1580T>C (p.Ile527Thr)

Gene: KIT (KIT proto-oncogene, receptor tyrosine kinase; plus strand). Cytogenetic location: 4q12.
Variant type: single nucleotide variant.
Coding change: c.1580T>C on transcript NM_000222.3 (MANE Select); coding-DNA position 1580, T replaced by C.
Protein change: p.Ile527Thr; replaces isoleucine 527 with threonine.
Molecular consequence: missense variant.
Genome position (GRCh38, 1-based): chr4:54,727,257, T>C. VCF-style: chr4-54727257-T-C. GRCh37 (hg19) VCF-style: chr4-55593423-T-C.
Other names: c.1568T>C, p.Ile523Thr (NM_001093772.2, NM_001385286.1); c.1583T>C, p.Ile528Thr (NM_001385284.1, NM_001385290.1); c.1580T>C, p.Ile527Thr (NM_001385285.1); c.1571T>C, p.Ile524Thr (NM_001385288.1, NM_001385292.1); short protein forms I524T, I528T, I527T, I523T.
Identifiers: ClinVar variation 1465357 (VCV001465357.8), dbSNP rs1448107053, ClinGen allele CA356906997.

ClinVar aggregate classification (germline): Uncertain significance (1 of 4 stars; one submission).

Conditions:
Gastrointestinal stromal tumor. Also called: Gastrointestinal stroma tumor; Gastrointestinal stromal tumor, somatic. Identifiers: Orphanet 44890, MedGen C0238198, MeSH D046152, MONDO:0011719, OMIM 606764, HP:0100723.

Allele frequency attached by ClinVar (database versions not stated): TOPMed 0.00003.

Submission:

Labcorp Genetics (formerly Invitae), Labcorp
Classification: Uncertain significance for Gastrointestinal stromal tumor. Last evaluated: 2025-05-15. Review status: criteria provided, single submitter. Criteria: Invitae Variant Classification Sherloc (09022015). Collection method: clinical testing. Allele origin: germline.
Comment: This sequence change replaces isoleucine, which is neutral and non-polar, with threonine, which is neutral and polar, at codon 527 of the KIT protein (p.Ile527Thr). This variant is not present in population databases (gnomAD no frequency). This variant has not been reported in the literature in individuals affected with KIT-related conditions. ClinVar contains an entry for this variant (Variation ID: 1465357). An algorithm developed to predict the effect of missense changes on protein structure and function (PolyPhen-2) suggests that this variant is likely to be tolerated. In summary, the available evidence is currently insufficient to determine the role of this variant in disease. Therefore, it has been classified as a Variant of Uncertain Significance.